The following is an entry in ClinVar:

ClinVar aggregate classification (germline): Uncertain significance (1 of 4 stars; one submission).

Conditions:
Developmental and epileptic encephalopathy, 58. Also called: EPILEPTIC ENCEPHALOPATHY, EARLY INFANTILE, 58. Identifiers: MedGen C4693367, MONDO:0033367, OMIM 617830.

Submission:

Servicio de Genética Del Instituto Nacional de Salud Del Niño, Ministerio de Salud
Classification: Uncertain significance for Developmental and epileptic encephalopathy, 58. Last evaluated: 2024-11-18. Review status: criteria provided, single submitter. Criteria: ACMG Guidelines, 2015. Collection method: clinical testing. Allele origin: germline. Inheritance: Autosomal dominant inheritance.
Comment: The variant NM_006180.6:c.2192T>G results in the substitution of leucine with arginine at position 731 (p.Leu731Arg). Leucine is a hydrophobic amino acid, while arginine is positively charged, which could disrupt the protein's structure or function. Based on PM2 (absence in population databases), PP3 (in silico predictions support a deleterious effect), and PP2 (conservation of the amino acid across species), this variant is classified as uncertain significance

NM_006180.6(NTRK2):c.2192T>G (p.Leu731Arg)

Gene: NTRK2 (neurotrophic receptor tyrosine kinase 2; plus strand). Cytogenetic location: 9q21.33.
Variant type: single nucleotide variant.
Coding change: c.2192T>G on transcript NM_006180.6 (MANE Select); coding-DNA position 2192, T replaced by G.
Protein change: p.Leu731Arg; replaces leucine 731 with arginine.
Molecular consequence: missense variant.
Genome position (GRCh38, 1-based): chr9:85,020,225, T>G. VCF-style: chr9-85020225-T-G. GRCh37 (hg19) VCF-style: chr9-87635140-T-G.
Other names: c.2144T>G, p.Leu715Arg (NM_001018064.3, NM_001369532.1, NM_001369533.1); c.2108T>G, p.Leu703Arg (NM_001369534.1); c.1676T>G, p.Leu559Arg (NM_001369535.1); c.1724T>G, p.Leu575Arg (NM_001369536.1); short protein forms L559R, L575R, L703R, L715R, L731R.
Identifiers: ClinVar variation 3381252 (VCV003381252.2).
Genomic context (GRCh38, chr9:85,020,225, plus strand): 5'-CGGGGTGACTGATGCCTCCCTGTTGATCCCTTTCTCCCCAGGTCGGTGGCCACACAATGC[T>G]GCCCATTCGCTGGATGCCTCCAGAGAGCATCATGTACAGGAAATTCACGACGGAAAGCGA-3'
Protein context (NP_006171.2, residues 721-741): DYYRVGGHTM[Leu731Arg]PIRWMPPESI